The following is an entry in ClinVar:

ClinVar aggregate classification (germline): Uncertain significance. Review status: criteria provided, multiple submitters, no conflicts (2 of 4 stars). 3 submissions from 3 submitters: Uncertain significance (3). Last evaluated 2025-07-15.

Conditions:
Familial temporal lobe epilepsy 5. Identifiers: MedGen C3280730, MONDO:0013741, OMIM 614417.

Allele frequency attached by ClinVar (database versions not stated): gnomAD exomes 0.00006 and 0.00003; TOPMed 0.00002; gnomAD 0.00003 and 0.00004; ExAC 0.00005.
gnomAD v4.1: 50 of 1,562,308 alleles (0.0032%); highest among the groups gnomAD compares: South Asian, 0.025%; no homozygotes.

Submissions (3):

Ambry Genetics
Classification: Uncertain significance. Last evaluated: 2025-07-15. Review status: criteria provided, single submitter. Criteria: Ambry Variant Classification Scheme 2023. Collection method: clinical testing. Allele origin: germline.

Neuberg Centre For Genomic Medicine, NCGM
Classification: Uncertain significance for Familial temporal lobe epilepsy 5. Last evaluated: 2023-06-22. Review status: criteria provided, single submitter. Criteria: ACMG Guidelines, 2015. Collection method: clinical testing. Allele origin: germline. Inheritance: Autosomal dominant inheritance. Affected: yes.
Comment: The missense variant c.442T>C (p.Trp148Arg) in the CPA6 gene has not been reported previously as a pathogenic variant nor as a benign variant, to our knowledge. This variant is reported with the allele frequency (0.005%) in the gnomAD Exomes. This variant has been reported to the ClinVar database as Uncertain Significance. However, no details are available for independent assessment. The amino acid Trp at position 148 is changed to a Arg changing protein sequence and it might alter its composition and physico-chemical properties. Multiple lines of computational evidence (Polyphen - Damaging, SIFT - Damaging and MutationTaster - Disease causing) predict a damaging effect on protein structure and function for this variant. The amino acid change p.Trp148Arg in CPA6 is predicted as conserved by GERP++ and PhyloP across 100 vertebrates. For these reasons, this variant has been classified as Uncertain Significance

Eurofins Ntd Llc (ga)
Classification: Uncertain significance. Last evaluated: 2017-06-07. Review status: criteria provided, single submitter. Criteria: EGL Classification Definitions 2015. Collection method: clinical testing. Allele origin: germline. Observed: 1 variant allele, 1 heterozygote.

NM_020361.5(CPA6):c.442T>C (p.Trp148Arg)

Gene: CPA6 (carboxypeptidase A6; minus strand). Cytogenetic location: 8q13.2.
Variant type: single nucleotide variant.
Coding change: c.442T>C on transcript NM_020361.5 (MANE Select); coding-DNA position 442, T replaced by C.
Protein change: p.Trp148Arg; replaces tryptophan 148 with arginine.
Molecular consequence: missense variant.
Genome position (GRCh38, 1-based): chr8:67,509,609, A>G on the plus strand (T>C on the coding strand, the complement: CPA6 is on the minus strand). VCF-style: chr8-67509609-A-G. GRCh37 (hg19) VCF-style: chr8-68421844-A-G.
Other names: c.442T>C (NM_020361.4); short protein forms W148R.
Identifiers: ClinVar variation 502297 (VCV000502297.10), dbSNP rs771067681, ClinGen allele CA4772973.